The following is an entry in ClinVar:

ClinVar aggregate classification (germline): Uncertain significance (1 of 4 stars; one submission).

Allele frequency attached by ClinVar (database versions not stated): TOPMed below 0.00001; ExAC 0.00001; gnomAD 0.00001; gnomAD exomes 0.00001.
gnomAD v4.1: 8 of 1,613,864 alleles (0.0005%); highest among the groups gnomAD compares: South Asian, 0.0022%; no homozygotes.

Submission:

GeneDx
Classification: Uncertain significance. Last evaluated: 2023-09-29. Review status: criteria provided, single submitter. Criteria: GeneDx Variant Classification Process June 2021. Collection method: clinical testing. Allele origin: germline. Affected: yes.
Comment: Nonsense variant predicted to result in protein truncation or nonsense mediated decay in a gene or region of a gene for which loss of function is not a well-established mechanism of disease; Has not been previously published as pathogenic or benign to our knowledge

NM_004539.4(NARS1):c.1351C>T (p.Arg451Ter)

Gene: NARS1 (asparaginyl-tRNA synthetase 1; minus strand). Cytogenetic location: 18q21.31.
Variant type: single nucleotide variant.
Coding change: c.1351C>T on transcript NM_004539.4 (MANE Select); coding-DNA position 1351, C replaced by T.
Protein change: p.Arg451Ter; replaces arginine 451 with a stop codon.
Molecular consequence: nonsense.
Genome position (GRCh38, 1-based): chr18:57,602,844, G>A on the plus strand (C>T on the coding strand, the complement: NARS1 is on the minus strand). VCF-style: chr18-57602844-G-A. GRCh37 (hg19) VCF-style: chr18-55270076-G-A.
Other names: short protein forms R451*.
Identifiers: ClinVar variation 3252608 (VCV003252608.1), dbSNP rs755681210.